The following is an entry in ClinVar:

NM_000551.4(VHL):c.340+14G>T

Gene: VHL (von Hippel-Lindau tumor suppressor; plus strand). Cytogenetic location: 3p25.3.
Variant type: single nucleotide variant.
Coding change: c.340+14G>T on transcript NM_000551.4 (MANE Select); 14 bases into the intron after coding-DNA position 340, G replaced by T.
Molecular consequence: intron variant.
Genome position (GRCh38, 1-based): chr3:10,142,201, G>T. VCF-style: chr3-10142201-G-T. GRCh37 (hg19) VCF-style: chr3-10183885-G-T.
Other names: c.340+14G>T (NM_001354723.2, NM_198156.3).
Identifiers: ClinVar variation 389596 (VCV000389596.1), dbSNP rs1057523480, ClinGen allele CA16604341.

ClinVar aggregate classification (germline): Likely benign (1 of 4 stars; one submission).

gnomAD v4.1: 3 of 1,594,936 alleles (0.00019%); highest among the groups gnomAD compares: Non-Finnish European, 0.00025%; no homozygotes.

Submission:

GeneDx
Classification: Likely benign. Last evaluated: 2016-09-23. Review status: criteria provided, single submitter. Criteria: GeneDx Variant Classification (06012015). Collection method: clinical testing. Allele origin: germline. Affected: yes.
Comment: This variant is considered likely benign or benign based on one or more of the following criteria: it is a conservative change, it occurs at a poorly conserved position in the protein, it is predicted to be benign by multiple in silico algorithms, and/or has population frequency not consistent with disease.